The following is an entry in ClinVar:

NM_000257.4(MYH7):c.3337-6G>A

Gene: MYH7 (myosin heavy chain 7; minus strand). Cytogenetic location: 14q11.2.
Variant type: single nucleotide variant.
Coding change: c.3337-6G>A on transcript NM_000257.4 (MANE Select); 6 bases into the intron before coding-DNA position 3337, G replaced by A.
Molecular consequence: intron variant.
Genome position (GRCh38, 1-based): chr14:23,420,240, C>T on the plus strand (G>A on the coding strand, the complement: MYH7 is on the minus strand). VCF-style: chr14-23420240-C-T. GRCh37 (hg19) VCF-style: chr14-23889449-C-T.
Other names: c.3337-6G>A (NM_001407004.1).
Identifiers: ClinVar variation 3895857 (VCV003895857.1).

ClinVar aggregate classification (germline): Uncertain significance (1 of 4 stars; one submission).

gnomAD v4.1: 1 of 1,610,432 alleles (0.000062%); no homozygotes.

Submission:

Women's Health and Genetics/Laboratory Corporation of America, LabCorp
Classification: Uncertain significance. Last evaluated: 2025-03-03. Review status: criteria provided, single submitter. Criteria: LabCorp Variant Classification Summary - May 2015. Collection method: clinical testing. Allele origin: germline.
Comment: Variant summary: MYH7 c.3337-6G>A alters a non-conserved nucleotide located close to a canonical splice site and therefore could affect mRNA splicing, leading to a significantly altered protein sequence. Consensus agreement among computation tools predict no significant impact on normal splicing. However, these predictions have yet to be confirmed by functional studies. The variant was absent in 244132 control chromosomes. The available data on variant occurrences in the general population are insufficient to allow any conclusion about variant significance. To our knowledge, no occurrence of c.3337-6G>A in individuals affected with Cardiomyopathy and no experimental evidence demonstrating its impact on protein function have been reported. No submitters have cited clinical-significance assessments for this variant to ClinVar. Based on the evidence outlined above, the variant was classified as uncertain significance.